The following is an entry in ClinVar:

ClinVar aggregate classification (germline): Uncertain significance. Review status: criteria provided, multiple submitters, no conflicts (2 of 4 stars). 2 submissions from 2 submitters: Uncertain significance (2). Last evaluated 2025-04-07.

Conditions:
Inborn genetic diseases. Identifiers: MedGen C0950123, MeSH D030342.
Frasier syndrome. Identifiers: Orphanet 347, MedGen C0950122, MeSH D052159, MONDO:0007635, OMIM 136680.
Drash syndrome (DDS). Also called: WILMS TUMOR AND PSEUDO- OR TRUE HERMAPHRODITISM; NEPHROPATHY, WILMS TUMOR, AND GENITAL ANOMALIES. Identifiers: Orphanet 220, MedGen C0950121, MONDO:0008682, OMIM 194080.
Wilms tumor 1 (WT1). Also called: Wilms tumor, somatic. Identifiers: Orphanet 654, MedGen CN033288, MONDO:0008679, OMIM 194070.
11p partial monosomy syndrome (WAGR). Also called: WAGR syndrome; CHROMOSOME 11p13 DELETION SYNDROME; WAGR Complex; WAGR Spectrum Disorder. Identifiers: Orphanet 893, MedGen C0206115, MONDO:0008681, OMIM 194072.

Allele frequency attached by ClinVar (database versions not stated): gnomAD 0.00001; TOPMed 0.00001.
gnomAD v4.1: 3 of 1,608,348 alleles (0.00019%); highest among the groups gnomAD compares: Non-Finnish European, 0.00017%; no homozygotes.

Submissions (2):

Ambry Genetics
Classification: Uncertain significance for Inborn genetic diseases. Last evaluated: 2025-04-07. Review status: criteria provided, single submitter. Criteria: Ambry Variant Classification Scheme 2023. Collection method: clinical testing. Allele origin: germline.
Comment: The p.V263G variant (also known as c.788T>G), located in coding exon 3 of the WT1 gene, results from a T to G substitution at nucleotide position 788. The valine at codon 263 is replaced by glycine, an amino acid with dissimilar properties. This amino acid position is conserved. In addition, the in silico prediction for this alteration is inconclusive. Based on the available evidence, the clinical significance of this variant remains unclear.

Labcorp Genetics (formerly Invitae), Labcorp
Classification: Uncertain significance for Wilms tumor 1; Drash syndrome; 11p partial monosomy syndrome; Frasier syndrome. Last evaluated: 2022-05-31. Review status: criteria provided, single submitter. Criteria: Invitae Variant Classification Sherloc (09022015). Collection method: clinical testing. Allele origin: germline.
Comment: This sequence change replaces valine, which is neutral and non-polar, with glycine, which is neutral and non-polar, at codon 263 of the WT1 protein (p.Val263Gly). This variant is not present in population databases (gnomAD no frequency). This variant has not been reported in the literature in individuals affected with WT1-related conditions. ClinVar contains an entry for this variant (Variation ID: 1486408). Algorithms developed to predict the effect of missense changes on protein structure and function (SIFT, PolyPhen-2, Align-GVGD) all suggest that this variant is likely to be disruptive. In summary, the available evidence is currently insufficient to determine the role of this variant in disease. Therefore, it has been classified as a Variant of Uncertain Significance.

NM_024426.6(WT1):c.803T>G (p.Val268Gly)

Gene: WT1 (WT1 transcription factor; minus strand). Cytogenetic location: 11p13.
Variant type: single nucleotide variant.
Coding change: c.803T>G on transcript NM_024426.6 (MANE Select); coding-DNA position 803, T replaced by G.
Protein change: p.Val268Gly; replaces valine 268 with glycine.
Molecular consequence: missense variant. On other transcripts: non-coding transcript variant (1).
Genome position (GRCh38, 1-based): chr11:32,428,040, A>C on the plus strand (T>G on the coding strand, the complement: WT1 is on the minus strand). VCF-style: chr11-32428040-A-C. GRCh37 (hg19) VCF-style: chr11-32449586-A-C.
Other names: c.803T>G, p.Val268Gly (NM_000378.6, NM_001407044.1, NM_001407045.1 and 4 more transcripts); c.152T>G, p.Val51Gly (NM_001198551.2, NM_001198552.2); c.680T>G, p.Val227Gly (NM_001407047.1, NM_001407050.1); c.41T>G, p.Val14Gly (NM_001407051.1); c.788T>G, p.Val263Gly (NM_024425.2); c.788T>G (NM_024426.4); short protein forms V51G, V268G, V14G, V227G, V263G.
Identifiers: ClinVar variation 1486408 (VCV001486408.10), dbSNP rs765230888, ClinGen allele CA219502905.
Genomic context (GRCh38, chr11:32,428,040, plus strand): 5'-AAAGCCTGGCTGCCGGTGCAGCTGTCGGTGGGGGTGTGGCAGCCATAGACCGGGGGCGGC[A>C]CCGAGTACTGCTGCTCACCTGCAGAGAGAACCGAAGACAGCTGAGCGAGTGCGCCCCAAG-3'
Protein context (NP_077744.4, residues 258-278): QGSLGEQQYS[Val268Gly]PPPVYGCHTP